The following is an entry in ClinVar:

NM_003601.4(SMARCA5):c.1766C>T (p.Ala589Val)

Gene: SMARCA5 (SNF2 related chromatin remodeling ATPase 5; plus strand). Cytogenetic location: 4q31.21.
Variant type: single nucleotide variant.
Coding change: c.1766C>T on transcript NM_003601.4 (MANE Select); coding-DNA position 1766, C replaced by T.
Protein change: p.Ala589Val; replaces alanine 589 with valine.
Molecular consequence: missense variant.
Genome position (GRCh38, 1-based): chr4:143,538,934, C>T. VCF-style: chr4-143538934-C-T. GRCh37 (hg19) VCF-style: chr4-144460087-C-T.
Other names: short protein forms A589V.
Identifiers: ClinVar variation 3776774 (VCV003776774.1).

ClinVar aggregate classification (germline): Uncertain significance (1 of 4 stars; one submission).

Conditions:
SMARCA5-related disorder. Also called: SMARCA5-Related Disorders; SMARCA5-related condition.

Submission:

Institute of Human Genetics, Clinical Exome/Genome Diagnostics Group, University Hospital Bonn
Classification: Uncertain significance for SMARCA5-related disease. Last evaluated: 2025-01-16. Review status: criteria provided, single submitter. Criteria: ACMG Guidelines, 2015. Collection method: clinical testing. Allele origin: germline. Inheritance: Autosomal dominant inheritance. Observed: 1 heterozygote.
Comment: PM1_supporting, PM2_supporting, PP2, PP3